The following is an entry in ClinVar:

ClinVar aggregate classification (germline): Uncertain significance (1 of 4 stars; one submission).

Conditions:
Leber congenital amaurosis 1 (LCA1). Also called: RETINAL BLINDNESS, CONGENITAL; Congenital absence of the rods and cones; Leber's congenital tapetoretinal degeneration; Leber's congenital tapetoretinal dysplasia; AMAUROSIS CONGENITA OF LEBER I. Identifiers: Orphanet 65, MedGen C2931258, MONDO:0008764, OMIM 204000.
Cone-rod dystrophy 6 (CORD6). Also called: RETINAL CONE DYSTROPHY 2; Cone dystrophy progressive. Identifiers: Orphanet 1872, MedGen C1866293, MONDO:0011143, OMIM 601777.

Submission:

Labcorp Genetics (formerly Invitae), Labcorp
Classification: Uncertain significance for Leber congenital amaurosis 1; Cone-rod dystrophy 6. Last evaluated: 2025-10-23. Review status: criteria provided, single submitter. Criteria: Invitae Variant Classification Sherloc (09022015). Collection method: clinical testing. Allele origin: germline.
Comment: This variant, c.533_550del, results in the deletion of 6 amino acid(s) of the GUCY2D protein (p.Ala178_Arg183del), but otherwise preserves the integrity of the reading frame. This variant is not present in population databases (gnomAD no frequency). This variant has not been reported in the literature in individuals affected with GUCY2D-related conditions. Experimental studies and prediction algorithms are not available or were not evaluated, and the functional significance of this variant is currently unknown. In summary, the available evidence is currently insufficient to determine the role of this variant in disease. Therefore, it has been classified as a Variant of Uncertain Significance.

NM_000180.4(GUCY2D):c.533_550del (p.Ala178_Arg183del)

Gene: GUCY2D (guanylate cyclase 2D, retinal; plus strand). Cytogenetic location: 17p13.1.
Variant type: Deletion.
Coding change: c.533_550del on transcript NM_000180.4 (MANE Select); coding-DNA positions 533 to 550, 18 bases deleted (CATTCGGCTGGGCGCGCG).
Protein change: p.Ala178_Arg183del.
Genome position (GRCh38, 1-based): chr17:8,003,580-8,003,597, CATTCGGCTGGGCGCGCG deleted; deleting any 18 consecutive bases within chr17:8,003,576-8,003,597 gives the same sequence; the c. name uses the placement nearest the transcript's 3' end. VCF-style (leftmost placement, unchanged base first): chr17-8003575-TCGCGCATTCGGCTGGGCG-T. GRCh37 (hg19) VCF-style: chr17-7906893-TCGCGCATTCGGCTGGGCG-T.
Identifiers: ClinVar variation 4786514 (VCV004786514.1).
Genomic context (GRCh38, chr17:8,003,575, plus strand): 5'-GGCGGAGGGCACCACGGCCCCTGCCGTGACCCCCGCCGCGGATGCCCTCTACGCCCTGCT[TCGCGCATTCGGCTGGGCG>T]CGCGTGGCCCTGGTCACCGCCCCCCAGGACCTGTGGGTGGAGGCGGGACGCTCACTGTCC-3'